The following is an entry in ClinVar:

ClinVar aggregate classification (germline): Benign. Review status: criteria provided, single submitter (1 of 4 stars). 2 submissions from 2 submitters: Benign (1). 1 of the submissions does not count toward it. Last evaluated 2018-01-12.

Conditions:
Diaphyseal medullary stenosis-bone malignancy syndrome. Also called: MYOPATHY, LIMB-GIRDLE, WITH BONE FRAGILITY; BONE DYSPLASIA WITH MALIGNANT FIBROUS HISTIOCYTOMA; BONE DYSPLASIA WITH MEDULLARY FIBROSARCOMA. Identifiers: Orphanet 85182, MedGen C1862177, MONDO:0007205, OMIM 112250.
MTAP-related disorder. Also called: MTAP-related condition.

Allele frequency attached by ClinVar (database versions not stated): gnomAD 0.00006 and 0.00018; TOPMed 0.00010; gnomAD exomes 0.00024 and 0.00025; ExAC 0.00026; 1000 Genomes Project 30x 0.00109; 1000 Genomes Project 0.00140.
gnomAD v4.1: 367 of 1,613,694 alleles (0.023%); highest among the groups gnomAD compares: East Asian, 0.74%; 1 homozygote.

Submissions (5):

Illumina Laboratory Services, Illumina
Classification: Benign for Diaphyseal medullary stenosis-bone malignancy syndrome. Last evaluated: 2018-01-12. Review status: criteria provided, single submitter. Criteria: ICSL Variant Classification Criteria 13 December 2019. Collection method: clinical testing. Allele origin: germline.
Comment: This variant was observed in the ICSL laboratory as part of a predisposition screen in an ostensibly healthy population. It had not been previously curated by ICSL or reported in the Human Gene Mutation Database (HGMD: prior to June 1st, 2018), and was therefore a candidate for classification through an automated scoring system. Utilizing variant allele frequency, disease prevalence and penetrance estimates, and inheritance mode, an automated score was calculated to assess if this variant is too frequent to cause the disease. Based on the score and internal cut-off values, a variant classified as benign is not then subjected to further curation. The score for this variant resulted in a classification of benign for this disease.

PreventionGenetics, part of Exact Sciences
Classification: Likely benign for MTAP-related condition. Last evaluated: 2019-08-09. Review status: no assertion criteria provided. Collection method: clinical testing. Allele origin: germline. Not counted in ClinVar's aggregate classification.
Comment: This variant is classified as likely benign based on ACMG/AMP sequence variant interpretation guidelines (Richards et al. 2015 PMID: 25741868, with internal and published modifications).

Dr. Peter K. Rogan Lab, Western University
No classification provided (evidence only). Condition: Hepatocellular carcinoma. Review status: no classification provided. Collection method: in vitro. Allele origin: not applicable. Functional consequence: retained intron. Not counted in ClinVar's aggregate classification.

Dr. Peter K. Rogan Lab, Western University
No classification provided (evidence only). Condition: Gastric cancer. Review status: no classification provided. Collection method: in vitro. Allele origin: not applicable. Functional consequence: retained intron. Not counted in ClinVar's aggregate classification.

Dr. Peter K. Rogan Lab, Western University
No classification provided (evidence only). Condition: Malignant tumor of esophagus. Review status: no classification provided. Collection method: in vitro. Allele origin: not applicable. Functional consequence: retained intron. Not counted in ClinVar's aggregate classification.

NM_002451.4(MTAP):c.315C>T (p.Gly105=)

Gene: MTAP (methylthioadenosine phosphorylase; plus strand). Cytogenetic location: 9p21.3.
Variant type: single nucleotide variant.
Coding change: c.315C>T on transcript NM_002451.4 (MANE Select); coding-DNA position 315, C replaced by T.
Protein change: p.Gly105=; no amino-acid change (glycine 105 retained).
Molecular consequence: synonymous variant.
Genome position (GRCh38, 1-based): chr9:21,818,170, C>T. VCF-style: chr9-21818170-C-T. GRCh37 (hg19) VCF-style: chr9-21818169-C-T.
Other names: NC_000009.11:g.21818169C>T.
Identifiers: ClinVar variation 366242 (VCV000366242.8), dbSNP rs147319145, ClinGen allele CA5011810.